The following is an entry in ClinVar:

NM_022114.4(PRDM16):c.885-169G>A

Gene: PRDM16 (PR/SET domain 16; plus strand). Cytogenetic location: 1p36.32.
Variant type: single nucleotide variant.
Coding change: c.885-169G>A on transcript NM_022114.4 (MANE Select); 169 bases into the intron before coding-DNA position 885, G replaced by A.
Molecular consequence: intron variant.
Genome position (GRCh38, 1-based): chr1:3,404,570, G>A. VCF-style: chr1-3404570-G-A. GRCh37 (hg19) VCF-style: chr1-3321134-G-A.
Other names: c.885-169G>A (NM_199454.3).
Identifiers: ClinVar variation 674735 (VCV000674735.1), dbSNP rs3795261, ClinGen allele CA10918135.

ClinVar aggregate classification (germline): Benign (1 of 4 stars; one submission).

Allele frequency attached by ClinVar (database versions not stated): 1000 Genomes Project 30x 0.09338; 1000 Genomes Project 0.09545; TOPMed 0.15640; gnomAD 0.16371 and 0.16738.
gnomAD v4.1: 25,023 of 152,186 alleles (16%); highest among the groups gnomAD compares: Middle Eastern, 28%; 2,476 homozygotes.

Submission:

GeneDx
Classification: Benign. Last evaluated: 2018-06-18. Review status: criteria provided, single submitter. Criteria: GeneDx Variant Classification (06012015). Collection method: clinical testing. Allele origin: germline. Affected: yes.
Comment: This variant is considered likely benign or benign based on one or more of the following criteria: it is a conservative change, it occurs at a poorly conserved position in the protein, it is predicted to be benign by multiple in silico algorithms, and/or has population frequency not consistent with disease.